The following is an entry in ClinVar:

NM_001290060.2(SEMA3B):c.1835C>T (p.Ala612Val)

Gene: SEMA3B (semaphorin 3B; plus strand). Cytogenetic location: 3p21.31.
Variant type: single nucleotide variant.
Coding change: c.1835C>T on transcript NM_001290060.2 (MANE Select); coding-DNA position 1835, C replaced by T.
Protein change: p.Ala612Val; replaces alanine 612 with valine.
Molecular consequence: missense variant. On other transcripts: non-coding transcript variant (1).
Genome position (GRCh38, 1-based): chr3:50,275,834, C>T. VCF-style: chr3-50275834-C-T. GRCh37 (hg19) VCF-style: chr3-50313265-C-T.
Other names: c.1832C>T, p.Ala611Val (NM_001005914.3); c.1850C>T, p.Ala617Val (NM_001290061.1); c.806C>T, p.Ala269Val (NM_001290062.2, NM_001290063.2); c.1835C>T, p.Ala612Val (NM_004636.4); short protein forms A269V, A611V, A612V, A617V.
Identifiers: ClinVar variation 3354703 (VCV003354703.2).

ClinVar aggregate classification (germline): Uncertain significance (1 of 4 stars; one submission).

Conditions:
SEMA3B-related disorder. Also called: SEMA3B-related condition.

Submission:

PreventionGenetics, part of Exact Sciences
Classification: Uncertain significance for SEMA3B-related condition. Last evaluated: 2025-02-06. Review status: criteria provided, single submitter. Criteria: ACMG Guidelines, 2015. Collection method: clinical testing. Allele origin: germline.
Comment: The SEMA3B c.1850C>T variant is predicted to result in the amino acid substitution p.Ala617Val. To our knowledge, this variant has not been reported in the literature. This variant is reported in 0.0028% of alleles in individuals of European (Non-Finnish) descent in gnomAD. At this time, the clinical significance of this variant is uncertain due to the absence of conclusive functional and genetic evidence.